The following is an entry in ClinVar:

ClinVar aggregate classification (germline): Conflicting classifications of pathogenicity. Review status: criteria provided, conflicting classifications (1 of 4 stars). 3 submissions from 3 submitters: Uncertain significance (2); Benign (1). Last evaluated 2025-04-07.

Conditions:
Myofibrillar myopathy 5. Also called: Filaminopathy (type); FILAMINOPATHY, AUTOSOMAL DOMINANT. Identifiers: Orphanet 171445, MedGen C1836050, MONDO:0012289, OMIM 609524.
Distal myopathy with posterior leg and anterior hand involvement. Also called: WILLIAMS DISTAL MYOPATHY. Identifiers: Orphanet 63273, MedGen C3279722, MONDO:0013550, OMIM 614065.
Hypertrophic cardiomyopathy 26. Also called: Cardiomyopathy, familial hypertrophic, 26. Identifiers: Orphanet 75249, MedGen C4310749, MONDO:0014883, OMIM 617047.
Cardiovascular phenotype. Identifiers: MedGen CN230736.

Allele frequency attached by ClinVar (database versions not stated): gnomAD exomes 0.00001; ExAC 0.00002; gnomAD 0.00003; TOPMed 0.00003.
gnomAD v4.1: 14 of 1,613,536 alleles (0.00087%); highest among the groups gnomAD compares: African/African-American, 0.0093%; no homozygotes.

Submissions (3):

Labcorp Genetics (formerly Invitae), Labcorp
Classification: Benign for Distal myopathy with posterior leg and anterior hand involvement; Myofibrillar myopathy 5; Hypertrophic cardiomyopathy 26. Last evaluated: 2025-04-07. Review status: criteria provided, single submitter. Criteria: Invitae Variant Classification Sherloc (09022015). Collection method: clinical testing. Allele origin: germline.

Ambry Genetics
Classification: Uncertain significance for Cardiovascular phenotype. Last evaluated: 2024-11-05. Review status: criteria provided, single submitter. Criteria: Ambry Variant Classification Scheme 2023. Collection method: clinical testing. Allele origin: germline.
Comment: The p.V747I variant (also known as c.2239G>A), located in coding exon 14 of the FLNC gene, results from a G to A substitution at nucleotide position 2239. The valine at codon 747 is replaced by isoleucine, an amino acid with highly similar properties. This amino acid position is conserved. In addition, this alteration is predicted to be tolerated by in silico analysis. Since supporting evidence is limited at this time, the clinical significance of this alteration remains unclear.

GeneDx
Classification: Uncertain significance. Last evaluated: 2022-12-12. Review status: criteria provided, single submitter. Criteria: GeneDx Variant Classification Process June 2021. Collection method: clinical testing. Allele origin: germline. Affected: yes.
Comment: Not observed at significant frequency in large population cohorts (gnomAD); In silico analysis supports that this missense variant does not alter protein structure/function; Has not been previously published as pathogenic or benign to our knowledge

NM_001458.5(FLNC):c.2239G>A (p.Val747Ile)

Gene: FLNC (filamin C; plus strand). Cytogenetic location: 7q32.1.
Variant type: single nucleotide variant.
Coding change: c.2239G>A on transcript NM_001458.5 (MANE Select); coding-DNA position 2239, G replaced by A.
Protein change: p.Val747Ile; replaces valine 747 with isoleucine.
Molecular consequence: missense variant.
Genome position (GRCh38, 1-based): chr7:128,842,348, G>A. VCF-style: chr7-128842348-G-A. GRCh37 (hg19) VCF-style: chr7-128482402-G-A.
Other names: c.2239G>A, p.Val747Ile (NM_001127487.2); short protein forms V747I.
Identifiers: ClinVar variation 963619 (VCV000963619.11), dbSNP rs764876916, ClinGen allele CA4474647.